The following is an entry in ClinVar:

ClinVar aggregate classification (germline): Conflicting classifications of pathogenicity. Review status: criteria provided, conflicting classifications (1 of 4 stars). 5 submissions from 5 submitters: Likely pathogenic (1); Uncertain significance (4). Last evaluated 2025-08-11.

Conditions:
Hereditary cancer-predisposing syndrome. Also called: Hereditary neoplastic syndrome; Neoplastic Syndromes, Hereditary; Tumor predisposition; Hereditary Cancer Syndrome. Identifiers: Orphanet 140162, MedGen C0027672, MeSH D009386, MONDO:0015356.
Fanconi anemia complementation group J. Also called: BRIP1-Related Fanconi Anemia. Identifiers: Orphanet 84, MedGen C1836860, MONDO:0012187, OMIM 609054.
Familial cancer of breast. Also called: BREAST CANCER, FAMILIAL; Hereditary breast cancer; hereditary breast carcinoma. Identifiers: Orphanet 227535, MedGen C0346153, MONDO:0016419, OMIM 114480. Disease mechanism: loss of function.

Allele frequency attached by ClinVar (database versions not stated): gnomAD exomes below 0.00001.

Submissions (5):

Labcorp Genetics (formerly Invitae), Labcorp
Classification: Uncertain significance for Familial cancer of breast; Fanconi anemia complementation group J. Last evaluated: 2025-08-11. Review status: criteria provided, single submitter. Criteria: Invitae Variant Classification Sherloc (09022015). Collection method: clinical testing. Allele origin: germline.
Comment: This sequence change affects an acceptor splice site in intron 3 of the BRIP1 gene. RNA analysis indicates that disruption of this splice site induces altered splicing and likely results in two alternative in-frame transcripts. These alternative transcripts, one with a loss of 3 amino acid residues and the other with a loss of 4 amino acid residues, are expected to preserve the integrity of the reading-frame and as such, their functional consequence cannot be determined. This variant is not present in population databases (gnomAD no frequency). Disruption of this splice site has been observed in individual(s) with ovarian cancer (PMID: 26720728). ClinVar contains an entry for this variant (Variation ID: 483196). Studies have shown that disruption of this splice site results in the activation of two different cryptic splice sites in exon 4, but the impact on the resulting protein products is unknown (internal data). In summary, the available evidence is currently insufficient to determine the role of this variant in disease. Therefore, it has been classified as a Variant of Uncertain Significance.

Color Diagnostics, LLC DBA Color Health
Classification: Uncertain significance for Hereditary cancer-predisposing syndrome. Last evaluated: 2025-04-29. Review status: criteria provided, single submitter. Criteria: ACMG Guidelines, 2015. Collection method: clinical testing. Allele origin: germline.
Comment: This variant causes a G to T nucleotide substitution at the -1 position of intron 3 of the BRIP1 gene. Splice site prediction tools predict that this variant may have a significant impact on RNA splicing. An RNA study at an external laboratory has shown that this variant results in transcripts with an in-frame deletion of 3 or 4 amino acids (ClinVar SCV000668959.5). Functional consequence of these alternate transcripts is not clear. This variant has been reported in an individual affected with ovarian cancer (PMID: 26720728). This variant has not been identified in the general population by the Genome Aggregation Database (gnomAD). Due to insufficient evidence, this variant is classified as a Variant of Uncertain Significance.

Institute for Genomic Medicine (IGM) Clinical Laboratory, Nationwide Children's Hospital
Classification: Likely pathogenic for Hereditary cancer-predisposing syndrome. Last evaluated: 2025-03-17. Review status: criteria provided, single submitter. Criteria: ACMG Guidelines, 2015. Collection method: clinical testing. Allele origin: germline.
Comment: This variant is predicted to result in loss of function through nonsense-mediated decay of the encoded transcript or premature truncation of the encoded protein in a gene in which loss of function is a known mechanism of disease (ACMG/AMP: PVS1; PMIDs:18628483, 21345144, 29368626). This variant is absent from or present at an exceedingly low frequency in gnomAD, a large-scale control population database (ACMG/AMP: PM2).

GeneDx
Classification: Uncertain significance. Last evaluated: 2025-01-17. Review status: criteria provided, single submitter. Criteria: GeneDx Variant Classification Process June 2021. Collection method: clinical testing. Allele origin: germline. Affected: yes.
Comment: A different variant affecting the same splice site (c.206-2A>G) has been demonstrated to result in abnormal splicing; however, the effect on protein function is unknown (External communication with Ambry Genetics and Invitae); Canonical splice site variant with an unclear effect on protein function; Not observed at significant frequency in large population cohorts (gnomAD); Has not been previously published as pathogenic or benign to our knowledge

Ambry Genetics
Classification: Uncertain significance for Hereditary cancer-predisposing syndrome. Last evaluated: 2024-12-04. Review status: criteria provided, single submitter. Criteria: Ambry Variant Classification Scheme 2023. Collection method: clinical testing. Allele origin: germline.
Comment: The c.206-1G>T intronic variant results from a G to T substitution one nucleotide upstream from coding exon 3 of the BRIP1 gene. Alterations that disrupt the canonical splice site are expected to result in aberrant splicing. In silico splice site analysis predicts that this alteration will weaken the native splice acceptor site and will result in the creation or strengthening of a novel splice acceptor site. The resulting transcript is predicted to be in-frame and is not expected to trigger nonsense-mediated mRNAdecay; although, direct evidence is insufficient at this time (Ambry internal data). This nucleotide position is highly conserved in available vertebrate species. Since supporting evidence is limited at this time, the clinical significance of this alteration remains unclear.

Literature cited by the submitters: PubMed 26720728 (cited by Labcorp Genetics (formerly Invitae), Labcorp and Color Diagnostics, LLC DBA Color Health); PubMed 18628483 (cited by Institute for Genomic Medicine (IGM) Clinical Laboratory, Nationwide Children's Hospital); PubMed 21345144 (cited by Institute for Genomic Medicine (IGM) Clinical Laboratory, Nationwide Children's Hospital); PubMed 29368626 (cited by Institute for Genomic Medicine (IGM) Clinical Laboratory, Nationwide Children's Hospital).

NM_032043.3(BRIP1):c.206-1G>T

Gene: BRIP1 (BRCA1 interacting DNA helicase 1; minus strand). Cytogenetic location: 17q23.2.
Variant type: single nucleotide variant.
Coding change: c.206-1G>T on transcript NM_032043.3 (MANE Select); the canonical splice acceptor site of the intron before coding-DNA position 206, G replaced by T.
Molecular consequence: splice acceptor variant.
Genome position (GRCh38, 1-based): chr17:61,857,232, C>A on the plus strand (G>T on the coding strand, the complement: BRIP1 is on the minus strand). VCF-style: chr17-61857232-C-A. GRCh37 (hg19) VCF-style: chr17-59934593-C-A.
Identifiers: ClinVar variation 483196 (VCV000483196.28), dbSNP rs1555617934, ClinGen allele CA400485634.